The following is an entry in ClinVar:

NM_001276270.2(MBD4):c.1228_1242del (p.Leu410_Ser414del)

Gene: MBD4 (methyl-CpG binding domain 4, DNA glycosylase; minus strand). Cytogenetic location: 3q21.3.
Variant type: Deletion.
Coding change: c.1228_1242del on transcript NM_001276270.2 (MANE Select); coding-DNA positions 1228 to 1242, 15 bases deleted (CTGTATTTTTCCAGC).
Protein change: p.Leu410_Ser414del.
Genome position (GRCh38, 1-based): chr3:129,434,078-129,434,092, GCTGGAAAAATACAG deleted on the plus strand (CTGTATTTTTCCAGC on the coding strand, the reverse complement: MBD4 is on the minus strand); deleting any 15 consecutive bases within chr3:129,434,078-129,434,095 gives the same sequence; the c. name uses the placement nearest the transcript's 3' end. VCF-style (leftmost placement, unchanged base first): chr3-129434077-TGCTGGAAAAATACAG-T. GRCh37 (hg19) VCF-style: chr3-129152920-TGCTGGAAAAATACAG-T.
Other names: c.1246_1260del, p.Leu416_Ser420del (NM_001276271.2, NM_001276272.2, NM_003925.3); c.292_306del, p.Leu98_Ser102del (NM_001276273.2); c.1228_1242del15 (NM_001276270.2).
Identifiers: ClinVar variation 5024009 (VCV005024009.1).

ClinVar aggregate classification (germline): Uncertain significance (1 of 4 stars; one submission).

Conditions:
Inborn genetic diseases. Identifiers: MedGen C0950123, MeSH D030342.

Submission:

Ambry Genetics
Classification: Uncertain significance for Inborn genetic diseases. Last evaluated: 2026-06-23. Review status: criteria provided, single submitter. Criteria: Ambry Variant Classification Scheme 2023. Collection method: clinical testing. Allele origin: germline.
Comment: The c.1228_1242del15 variant (also known as p.L410_S414del) is located in coding exon 4 of the MBD4 gene. This variant results from an in-frame CTGTATTTTTCCAGC deletion at nucleotide positions 1228 to 1242. This results in the in-frame deletion of 5 amino acids at codons 410 to 414. This amino acid region is not well conserved in available vertebrate species. In addition, this variant is predicted to be deleterious by in silico analysis (Choi Y et al. PLoS ONE. 2012; 7(10):e46688). Based on the available evidence, the clinical significance of this variant remains unclear.